The following is an entry in ClinVar:

NM_003128.3(SPTBN1):c.2267T>G (p.Ile756Ser)

Gene: SPTBN1 (spectrin beta, non-erythrocytic 1; plus strand). Cytogenetic location: 2p16.2.
Variant type: single nucleotide variant.
Coding change: c.2267T>G on transcript NM_003128.3 (MANE Select); coding-DNA position 2267, T replaced by G.
Protein change: p.Ile756Ser; replaces isoleucine 756 with serine.
Molecular consequence: missense variant.
Genome position (GRCh38, 1-based): chr2:54,629,401, T>G. VCF-style: chr2-54629401-T-G. GRCh37 (hg19) VCF-style: chr2-54856538-T-G.
Other names: c.2228T>G, p.Ile743Ser (NM_178313.3); short protein forms I743S, I756S.
Identifiers: ClinVar variation 2574257 (VCV002574257.4), dbSNP rs1232086073, ClinGen allele CA346881239.

ClinVar aggregate classification (germline): Uncertain significance. Review status: criteria provided, multiple submitters, no conflicts (2 of 4 stars). 2 submissions from 2 submitters: Uncertain significance (2). Last evaluated 2025-10-16.

Conditions:
Developmental delay, impaired speech, and behavioral abnormalities. Identifiers: MedGen C5561957, MONDO:0859178, OMIM 619475.

Submissions (2):

GeneDx
Classification: Uncertain significance. Last evaluated: 2025-10-16. Review status: criteria provided, single submitter. Criteria: GeneDx Variant Classification Process June 2021. Collection method: clinical testing. Allele origin: germline. Affected: yes.
Comment: Not observed at significant frequency in large population cohorts (gnomAD); In silico analysis supports that this missense variant has a deleterious effect on protein structure/function; Has not been previously published as pathogenic or benign germline variant to our knowledge; This variant is associated with the following publications: (PMID: 32520761)

Juno Genomics, Hangzhou Juno Genomics, Inc
Classification: Uncertain significance for Developmental delay, impaired speech, and behavioral abnormalities. Review status: criteria provided, single submitter. Criteria: ACMG Guidelines, 2015. Collection method: clinical testing. Allele origin: germline.
Comment: Absent from controls (or at extremely low frequency if recessive) in Genome Aggregation Database.;Missense variant in a gene that has a low rate of benign missense variation.